The following is an entry in ClinVar:

ClinVar aggregate classification (germline): Conflicting classifications of pathogenicity. Review status: criteria provided, conflicting classifications (1 of 4 stars). 5 submissions from 5 submitters: Likely pathogenic (4); Uncertain significance (1). Last evaluated 2026-02-24.

Conditions:
Histiocytic medullary reticulosis. Also called: SEVERE COMBINED IMMUNODEFICIENCY WITH HYPEREOSINOPHILIA; Omenn syndrome. Identifiers: Orphanet 39041, MedGen C2700553, MONDO:0011338, OMIM 603554.
Severe combined immunodeficiency due to DCLRE1C deficiency (RS-SCID). Also called: SCID, AUTOSOMAL RECESSIVE, T CELL-NEGATIVE, B CELL-NEGATIVE, NK CELL-POSITIVE, WITH SENSITIVITY TO IONIZING RADIATION. Identifiers: Orphanet 275, MedGen C1865371, MONDO:0011225, OMIM 602450.
Athabaskan severe combined immunodeficiency (SCIDA). Also called: Severe combined immunodeficiency, athabascan-type. Identifiers: MedGen C1865370.

Allele frequency attached by ClinVar (database versions not stated): gnomAD exomes 0.00001; TOPMed 0.00003; gnomAD 0.00003.

Submissions (5):

GeneDx
Classification: Likely pathogenic. Last evaluated: 2026-02-24. Review status: criteria provided, single submitter. Criteria: GeneDx Variant Classification Process June 2021. Collection method: clinical testing. Allele origin: germline.
Comment: Has not been previously published in peer reviewed literature as pathogenic or benign to our knowledge; however, in an abstract by Tsaknakis et al (2023), this variant has been observed in a patient with chronic idiopathic neutropenia (Tsaknakis G et al. (2023) Blood. 142 :931-932); Frameshift variant predicted to result in abnormal protein length as the last 97 amino acids are replaced with 8 different amino acids, and other similar variants have been reported in HGMD; Not observed at significant frequency in large population cohorts (gnomAD); This variant is associated with the following publications: (PMID: Tsaknakis2023[Abstract])

Labcorp Genetics (formerly Invitae), Labcorp
Classification: Uncertain significance for Athabaskan severe combined immunodeficiency. Last evaluated: 2024-10-31. Review status: criteria provided, single submitter. Criteria: Invitae Variant Classification Sherloc (09022015). Collection method: clinical testing. Allele origin: germline.
Comment: This sequence change creates a premature translational stop signal (p.Ile596Asnfs*9) in the DCLRE1C gene. While this is not anticipated to result in nonsense mediated decay, it is expected to disrupt the last 97 amino acid(s) of the DCLRE1C protein. This variant is present in population databases (no rsID available, gnomAD 0.003%). This variant has not been reported in the literature in individuals affected with DCLRE1C-related conditions. ClinVar contains an entry for this variant (Variation ID: 2197015). Experimental studies and prediction algorithms are not available or were not evaluated, and the functional significance of this variant is currently unknown. In summary, the available evidence is currently insufficient to determine the role of this variant in disease. Therefore, it has been classified as a Variant of Uncertain Significance.

Natera, Inc.
Classification: Likely pathogenic for Athabascan severe combined immunodeficiency. Last evaluated: 2024-10-03. Review status: criteria provided, single submitter. Criteria: Natera Variant Classification Schema (03/2026). Collection method: clinical testing. Allele origin: germline.
Comment: The c.1784dupT variant in DCLRE1C is a frameshift variant predicted to shift the reading frame beginning at codon 596 and leads to a stop codon 9 codons downstream. This variant is expected to result in nonsense mediated decay, truncation, or a dysfunctional protein product. This variant is rare in the general population with a frequency below the threshold expected for the associated phenotype(s). Given the available evidence, this variant is classified as Likely Pathogenic.

Fulgent Genetics
Classification: Likely pathogenic for Severe combined immunodeficiency due to DCLRE1C deficiency; Histiocytic medullary reticulosis. Last evaluated: 2024-01-24. Review status: criteria provided, single submitter. Criteria: ACMG Guidelines, 2015. Collection method: clinical testing. Allele origin: germline.

Baylor Genetics
Classification: Likely pathogenic for Histiocytic medullary reticulosis. Last evaluated: 2023-11-17. Review status: criteria provided, single submitter. Criteria: ACMG Guidelines, 2015. Collection method: clinical testing. Allele origin: unknown.

NM_001033855.3(DCLRE1C):c.1784dup (p.Ile596fs)

Gene: DCLRE1C (DNA cross-link repair 1C; minus strand). Cytogenetic location: 10p13.
Variant type: Duplication.
Coding change: c.1784dup on transcript NM_001033855.3 (MANE Select); coding-DNA position 1784, one base duplicated (T; older notation c.1784dupT).
Protein change: p.Ile596fs; shifts the reading frame from isoleucine 596.
Molecular consequence: frameshift variant. On other transcripts: non-coding transcript variant (3), splice donor variant (3).
Genome position (GRCh38, 1-based): chr10:14,908,703, A duplicated on the plus strand (T on the coding strand, the reverse complement: DCLRE1C is on the minus strand). VCF-style (leftmost placement, unchanged base first): chr10-14908702-T-TA. GRCh37 (hg19) VCF-style: chr10-14950701-T-TA.
Other names: c.1424dup, p.Ile476fs (NM_001033857.3, NM_001033858.3, NM_001289077.2 and 1 more transcripts); c.1439dup, p.Ile481fs (NM_001289076.2, NM_001289078.2, NM_022487.4); c.1437+2dup (NM_001350966.2); c.1782+2dup (NM_001350965.2); c.1422+2dup (NM_001350967.2); c.1784dupT (NM_001033855.2); short protein forms I481fs, I476fs, I596fs.
Identifiers: ClinVar variation 2197015 (VCV002197015.8), dbSNP rs1190921257, ClinGen allele CA592312460.